The following is an entry in ClinVar:

NM_001110556.2(FLNA):c.130A>G (p.Ile44Val)

Gene: FLNA (filamin A; minus strand). Cytogenetic location: Xq28.
Variant type: single nucleotide variant.
Coding change: c.130A>G on transcript NM_001110556.2 (MANE Select); coding-DNA position 130, A replaced by G.
Protein change: p.Ile44Val; replaces isoleucine 44 with valine.
Molecular consequence: missense variant.
Genome position (GRCh38, 1-based): chrX:154,371,116, T>C on the plus strand (A>G on the coding strand, the complement: FLNA is on the minus strand). VCF-style: chrX-154371116-T-C. GRCh37 (hg19) VCF-style: chrX-153599484-T-C.
Other names: c.130A>G, p.Ile44Val (NM_001456.4); short protein forms I44V.
Identifiers: ClinVar variation 4882311 (VCV004882311.2).

ClinVar aggregate classification (germline): Uncertain significance (1 of 4 stars; one submission).

Submission:

Dasa
Classification: Uncertain significance. Last evaluated: 2025-11-03. Review status: criteria provided, single submitter. Criteria: DASA Assertion Criteria. Collection method: clinical testing. Allele origin: germline.
Comment: NM_001110556.2(FLNA):c.130A>G (p.Ile44Val) is a missense variant that results in the substitution of isoleucine with valine. The affected residue or protein region has prior evidence supporting clinical relevance. This variant is absent from population databases. The currently available literature and clinical evidence are not sufficient to establish a definitive association between this variant and the reported condition. Therefore, this variant is classified as a variant of uncertain significance.